The following is an entry in ClinVar:

NM_139343.3(BIN1):c.1147C>A (p.Pro383Thr)

Gene: BIN1 (bridging integrator 1; minus strand). Cytogenetic location: 2q14.3.
Variant type: single nucleotide variant.
Coding change: c.1147C>A on transcript NM_139343.3 (MANE Select); coding-DNA position 1147, C replaced by A.
Protein change: p.Pro383Thr; replaces proline 383 with threonine.
Molecular consequence: missense variant. On other transcripts: intron variant (12).
Genome position (GRCh38, 1-based): chr2:127,053,997, G>T on the plus strand (C>A on the coding strand, the complement: BIN1 is on the minus strand). VCF-style: chr2-127053997-G-T. GRCh37 (hg19) VCF-style: chr2-127811573-G-T.
Other names: c.955-3085C>A (NM_001320632.2); c.955-2754C>A (NM_004305.4); c.1084-2754C>A (NM_139346.3); c.1003-2754C>A (NM_001320633.2); c.1003-1635C>A (NM_139345.3); c.1132-2754C>A (NM_001320640.2); c.1054C>A, p.Pro352Thr (NM_001320641.2); c.1066C>A, p.Pro356Thr (NM_001320642.1); and 8 more; short protein forms P383T, P340T, P352T, P356T.
Identifiers: ClinVar variation 1042004 (VCV001042004.9), dbSNP rs1573549506, ClinGen allele CA348377168.

ClinVar aggregate classification (germline): Uncertain significance. Review status: criteria provided, multiple submitters, no conflicts (2 of 4 stars). 2 submissions from 2 submitters: Uncertain significance (2). Last evaluated 2024-10-15.

Conditions:
Myopathy, centronuclear, 2 (CNM2). Also called: MYOTUBULAR MYOPATHY, AUTOSOMAL RECESSIVE. Identifiers: Orphanet 169186, MedGen CN031787, MONDO:0009709, OMIM 255200.

gnomAD v4.1: 2 of 1,551,310 alleles (0.00013%); highest among the groups gnomAD compares: South Asian, 0.0024%; no homozygotes.

Submissions (2):

GeneDx
Classification: Uncertain significance. Last evaluated: 2024-10-15. Review status: criteria provided, single submitter. Criteria: GeneDx Variant Classification Process June 2021. Collection method: clinical testing. Allele origin: germline. Affected: yes.
Comment: Not observed at significant frequency in large population cohorts (gnomAD); In silico analysis indicates that this missense variant does not alter protein structure/function; Has not been previously published as pathogenic or benign to our knowledge

Labcorp Genetics (formerly Invitae), Labcorp
Classification: Uncertain significance for Myopathy, centronuclear, 2. Last evaluated: 2024-03-04. Review status: criteria provided, single submitter. Criteria: Invitae Variant Classification Sherloc (09022015). Collection method: clinical testing. Allele origin: germline.
Comment: This sequence change replaces proline, which is neutral and non-polar, with threonine, which is neutral and polar, at codon 383 of the BIN1 protein (p.Pro383Thr). This variant is not present in population databases (gnomAD no frequency). This variant has not been reported in the literature in individuals affected with BIN1-related conditions. ClinVar contains an entry for this variant (Variation ID: 1042004). An algorithm developed to predict the effect of missense changes on protein structure and function (PolyPhen-2) suggests that this variant is likely to be tolerated. In summary, the available evidence is currently insufficient to determine the role of this variant in disease. Therefore, it has been classified as a Variant of Uncertain Significance.